The following is an entry in ClinVar:

ClinVar aggregate classification (germline): Likely benign. Review status: criteria provided, single submitter (1 of 4 stars). 2 submissions from 2 submitters: Likely benign (1). 1 of the submissions does not count toward it. Last evaluated 2018-05-08.

Conditions:
SEMA3C-related disorder. Also called: SEMA3C-related condition.

Allele frequency attached by ClinVar (database versions not stated): gnomAD 0.00001; gnomAD exomes 0.00001 and 0.00006; ExAC 0.00003; TOPMed 0.00004.
gnomAD v4.1: 20 of 1,611,904 alleles (0.0012%); highest among the groups gnomAD compares: Admixed American, 0.025%; no homozygotes.

Submissions (2):

Labcorp Genetics (formerly Invitae), Labcorp
Classification: Likely benign. Last evaluated: 2018-05-08. Review status: criteria provided, single submitter. Criteria: Invitae Variant Classification Sherloc (09022015). Collection method: clinical testing. Allele origin: germline.

PreventionGenetics, part of Exact Sciences
Classification: Likely benign for SEMA3C-related condition. Last evaluated: 2023-01-13. Review status: no assertion criteria provided. Collection method: clinical testing. Allele origin: germline. Not counted in ClinVar's aggregate classification.
Comment: This variant is classified as likely benign based on ACMG/AMP sequence variant interpretation guidelines (Richards et al. 2015 PMID: 25741868, with internal and published modifications).

NM_006379.5(SEMA3C):c.906T>C (p.Phe302=)

Gene: SEMA3C (semaphorin 3C; minus strand). Cytogenetic location: 7q21.11.
Variant type: single nucleotide variant.
Coding change: c.906T>C on transcript NM_006379.5 (MANE Select); coding-DNA position 906, T replaced by C.
Protein change: p.Phe302=; no amino-acid change (phenylalanine 302 retained).
Molecular consequence: synonymous variant.
Genome position (GRCh38, 1-based): chr7:80,802,675, A>G on the plus strand (T>C on the coding strand, the complement: SEMA3C is on the minus strand). VCF-style: chr7-80802675-A-G. GRCh37 (hg19) VCF-style: chr7-80431991-A-G.
Other names: c.960T>C, p.Phe320= (NM_001350120.2); c.732T>C, p.Phe244= (NM_001350121.2); c.960T>C (NM_001350120.1).
Identifiers: ClinVar variation 744052 (VCV000744052.5), dbSNP rs773595745, ClinGen allele CA4316296.